The following is an entry in ClinVar:

NM_022455.5(NSD1):c.3418G>A (p.Val1140Ile)

Gene: NSD1 (nuclear receptor binding SET domain protein 1; plus strand). Cytogenetic location: 5q35.3.
Variant type: single nucleotide variant.
Coding change: c.3418G>A on transcript NM_022455.5 (MANE Select); coding-DNA position 3418, G replaced by A.
Protein change: p.Val1140Ile; replaces valine 1140 with isoleucine.
Molecular consequence: missense variant.
Genome position (GRCh38, 1-based): chr5:177,211,817, G>A. VCF-style: chr5-177211817-G-A. GRCh37 (hg19) VCF-style: chr5-176638818-G-A.
Other names: c.2545G>A, p.Val849Ile (NM_172349.5, NM_001365684.2, NM_001409306.1 and 3 more transcripts); c.3418G>A, p.Val1140Ile (NM_001409301.1, NM_001409302.1, NM_001409303.1); c.2998G>A, p.Val1000Ile (NM_001409304.1); c.2665G>A, p.Val889Ile (NM_001409305.1); short protein forms V1140I, V871I, V889I, V1000I, V849I.
Identifiers: ClinVar variation 1327095 (VCV001327095.6), dbSNP rs1763367854, ClinGen allele CA362324466.
Genomic context (GRCh38, chr5:177,211,817, plus strand): 5'-GGTAAAATTTCTGAAAAAGGACTCTCTTTTGAAAACGGAAAAGGCCCAGAGCTGGACTCT[G>A]TAATGAACAGTGAGAATGATGAACTCAATGGTGTAAATCAAGTGGTGCCTAAAAAGCGGT-3'
Protein context (NP_071900.2, residues 1130-1150): ENGKGPELDS[Val1140Ile]MNSENDELNG

ClinVar aggregate classification (germline): Uncertain significance. Review status: criteria provided, multiple submitters, no conflicts (2 of 4 stars). 3 submissions from 3 submitters: Uncertain significance (3). Last evaluated 2024-02-19.

Conditions:
Sotos syndrome (SOTOS). Also called: CHROMOSOME 5q35 DELETION SYNDROME; SOTOS SYNDROME 1; Distinctive facial appearance, overgrowth in childhood, and learning disabilities or delayed development; CEREBRAL GIGANTISM; Sotos' syndrome. Identifiers: Orphanet 821, MedGen C0175695, MONDO:0019349, OMIM 117550.

Allele frequency attached by ClinVar (database versions not stated): TOPMed below 0.00001.
gnomAD v4.1: 1 of 1,614,196 alleles (0.000062%); highest among the groups gnomAD compares: Admixed American, 0.0017%; no homozygotes.

Submissions (3):

Fulgent Genetics
Classification: Uncertain significance for Sotos syndrome. Last evaluated: 2024-02-19. Review status: criteria provided, single submitter. Criteria: ACMG Guidelines, 2015. Collection method: clinical testing. Allele origin: germline.

Labcorp Genetics (formerly Invitae), Labcorp
Classification: Uncertain significance. Last evaluated: 2023-08-04. Review status: criteria provided, single submitter. Criteria: Invitae Variant Classification Sherloc (09022015). Collection method: clinical testing. Allele origin: germline.
Comment: In summary, the available evidence is currently insufficient to determine the role of this variant in disease. Therefore, it has been classified as a Variant of Uncertain Significance. Advanced modeling of protein sequence and biophysical properties (such as structural, functional, and spatial information, amino acid conservation, physicochemical variation, residue mobility, and thermodynamic stability) performed at Invitae indicates that this missense variant is not expected to disrupt NSD1 protein function. ClinVar contains an entry for this variant (Variation ID: 1327095). This variant has not been reported in the literature in individuals affected with NSD1-related conditions. This variant is not present in population databases (gnomAD no frequency). This sequence change replaces valine, which is neutral and non-polar, with isoleucine, which is neutral and non-polar, at codon 1140 of the NSD1 protein (p.Val1140Ile).

Baylor Genetics
Classification: Uncertain significance for Sotos syndrome. Last evaluated: 2021-01-30. Review status: criteria provided, single submitter. Criteria: ACMG Guidelines, 2015. Collection method: clinical testing. Allele origin: paternal. Affected: yes. Study: CSER-TexasKidsCanSeq.
Comment: This variant was determined to be of uncertain significance according to ACMG Guidelines, 2015 [PMID:25741868].